The following is an entry in ClinVar:

NM_005026.5(PIK3CD):c.2870G>A (p.Arg957Gln)

Gene: PIK3CD (phosphatidylinositol-4,5-bisphosphate 3-kinase catalytic subunit delta; plus strand). Cytogenetic location: 1p36.22.
Variant type: single nucleotide variant.
Coding change: c.2870G>A on transcript NM_005026.5 (MANE Select); coding-DNA position 2870, G replaced by A.
Protein change: p.Arg957Gln; replaces arginine 957 with glutamine.
Molecular consequence: missense variant.
Genome position (GRCh38, 1-based): chr1:9,724,809, G>A. VCF-style: chr1-9724809-G-A. GRCh37 (hg19) VCF-style: chr1-9784867-G-A.
Other names: c.2867G>A, p.Arg956Gln (NM_001350234.2); c.2783G>A, p.Arg928Gln (NM_001350235.1); short protein forms R928Q, R956Q, R957Q.
Identifiers: ClinVar variation 2164030 (VCV002164030.4), dbSNP rs201362243, ClinGen allele CA577668.
Genomic context (GRCh38, chr1:9,724,809, plus strand): 5'-CTGGCCTGTGGCTGGGAGTTCCCAGAGCCTCACTTCCTCTGTCCCCTACCTGCAGGTTCC[G>A]GGGCTACTGTGAAAGGGCCTACACCATCCTGCGGCGCCACGGGCTTCTCTTCCTCCACCT-3'
Protein context (NP_005017.3, residues 947-967): TNNSEKFERF[Arg957Gln]GYCERAYTIL

ClinVar aggregate classification (germline): Uncertain significance (1 of 4 stars; one submission).

Conditions:
Immunodeficiency 14 (IMD14A). Also called: IMMUNODEFICIENCY 14A WITH LYMPHOPROLIFERATION, AUTOSOMAL DOMINANT; Activated PI3K Delta Syndrome Type 1 (APDS1); p110-DELTA-ACTIVATING MUTATION CAUSING SENESCENT T CELLS, LYMPHADENOPATHY, AND IMMUNODEFICIENCY; ACTIVATED PI3K-DELTA SYNDROME 1. Identifiers: Orphanet 397596, Orphanet 693661, MedGen C5907821, MONDO:0014222, OMIM 615513.

Allele frequency attached by ClinVar (database versions not stated): gnomAD exomes 0.00001; ExAC 0.00002.
gnomAD v4.1: 14 of 1,613,018 alleles (0.00087%); highest among the groups gnomAD compares: Non-Finnish European, 0.0012%; no homozygotes.

Submission:

Labcorp Genetics (formerly Invitae), Labcorp
Classification: Uncertain significance for Activated PI3K-delta syndrome. Last evaluated: 2025-12-18. Review status: criteria provided, single submitter. Criteria: Invitae Variant Classification Sherloc (09022015). Collection method: clinical testing. Allele origin: germline.
Comment: This sequence change replaces arginine, which is basic and polar, with glutamine, which is neutral and polar, at codon 957 of the PIK3CD protein (p.Arg957Gln). This variant is present in population databases (rs201362243, gnomAD 0.006%). This variant has not been reported in the literature in individuals affected with PIK3CD-related conditions. ClinVar contains an entry for this variant (Variation ID: 2164030). An algorithm developed to predict the effect of missense changes on protein structure and function (PolyPhen-2) suggests that this variant is likely to be disruptive. In summary, the available evidence is currently insufficient to determine the role of this variant in disease. Therefore, it has been classified as a Variant of Uncertain Significance.